The following is an entry in ClinVar:

ClinVar aggregate classification (germline): Uncertain significance (1 of 4 stars; one submission).

Conditions:
Beckwith-Wiedemann syndrome (BWS). Also called: Exomphalos macroglossia gigantism syndrome; EMG SYNDROME. Identifiers: Orphanet 116, MedGen C0004903, MONDO:0007534, OMIM 130650.

Allele frequency attached by ClinVar (database versions not stated): gnomAD exomes below 0.00001; TOPMed 0.00001.

Submission:

Labcorp Genetics (formerly Invitae), Labcorp
Classification: Uncertain significance for Beckwith-Wiedemann syndrome. Last evaluated: 2022-12-28. Review status: criteria provided, single submitter. Criteria: Invitae Variant Classification Sherloc (09022015). Collection method: clinical testing. Allele origin: germline.
Comment: This variant is not present in population databases (gnomAD no frequency). This sequence change replaces glutamine, which is neutral and polar, with histidine, which is basic and polar, at codon 232 of the CDKN1C protein (p.Gln232His). This variant has not been reported in the literature in individuals affected with CDKN1C-related conditions. In summary, the available evidence is currently insufficient to determine the role of this variant in disease. Therefore, it has been classified as a Variant of Uncertain Significance. Advanced modeling of protein sequence and biophysical properties (such as structural, functional, and spatial information, amino acid conservation, physicochemical variation, residue mobility, and thermodynamic stability) performed at Invitae indicates that this missense variant is not expected to disrupt CDKN1C protein function.

NM_001122630.2(CDKN1C):c.663G>C (p.Gln221His)

Gene: CDKN1C (cyclin dependent kinase inhibitor 1C; minus strand). Cytogenetic location: 11p15.4.
Variant type: single nucleotide variant.
Coding change: c.663G>C on transcript NM_001122630.2 (MANE Select); coding-DNA position 663, G replaced by C.
Protein change: p.Gln221His; replaces glutamine 221 with histidine.
Molecular consequence: missense variant. On other transcripts: intron variant (1).
Genome position (GRCh38, 1-based): chr11:2,884,794, C>G on the plus strand (G>C on the coding strand, the complement: CDKN1C is on the minus strand). VCF-style: chr11-2884794-C-G. GRCh37 (hg19) VCF-style: chr11-2906024-C-G.
Other names: c.696G>C, p.Gln232His (NM_000076.2, NM_001362474.2); c.663G>C, p.Gln221His (NM_001122631.2); c.255+408G>C (NM_001362475.2); short protein forms Q221H, Q232H.
Identifiers: ClinVar variation 2193700 (VCV002193700.4), dbSNP rs1295497799, ClinGen allele CA379145836.
Genomic context (GRCh38, chr11:2,884,794, plus strand): 5'-GGCCGCGGGACGTCCCGAAATCCCCGAGTGCAGCTGGTCAGCGAGAGGCTCCTGGCCGCG[C>G]TGCCCCTGGTTCGCGCCCTGCTCGGCGCTCTCTTGAGGCGCCGCGTCCGGGGCCGGGGCC-3'
Protein context (NP_001116102.1, residues 211-231): ESAEQGANQG[Gln221His]RGQEPLADQL